The following is an entry in ClinVar:

ClinVar aggregate classification (germline): Uncertain significance (1 of 4 stars; one submission).

gnomAD v4.1: 1 of 1,614,034 alleles (0.000062%); highest among the groups gnomAD compares: Non-Finnish European, 0.000085%; no homozygotes.

Submission:

Labcorp Genetics (formerly Invitae), Labcorp
Classification: Uncertain significance. Last evaluated: 2025-02-27. Review status: criteria provided, single submitter. Criteria: Invitae Variant Classification Sherloc (09022015). Collection method: clinical testing. Allele origin: germline.
Comment: This sequence change replaces glutamic acid, which is acidic and polar, with aspartic acid, which is acidic and polar, at codon 1942 of the ANK3 protein (p.Glu1942Asp). This variant is not present in population databases (gnomAD no frequency). This variant has not been reported in the literature in individuals affected with ANK3-related conditions. Invitae Evidence Modeling of protein sequence and biophysical properties (such as structural, functional, and spatial information, amino acid conservation, physicochemical variation, residue mobility, and thermodynamic stability) indicates that this missense variant is not expected to disrupt ANK3 protein function with a negative predictive value of 80%. In summary, the available evidence is currently insufficient to determine the role of this variant in disease. Therefore, it has been classified as a Variant of Uncertain Significance.

NM_020987.5(ANK3):c.5826A>T (p.Glu1942Asp)

Gene: ANK3 (ankyrin 3; minus strand). Cytogenetic location: 10q21.2.
Variant type: single nucleotide variant.
Coding change: c.5826A>T on transcript NM_020987.5 (MANE Select); coding-DNA position 5826, A replaced by T.
Protein change: p.Glu1942Asp; replaces glutamic acid 1942 with aspartic acid.
Molecular consequence: missense variant. On other transcripts: intron variant (4).
Genome position (GRCh38, 1-based): chr10:60,075,055, T>A on the plus strand (A>T on the coding strand, the complement: ANK3 is on the minus strand). VCF-style: chr10-60075055-T-A. GRCh37 (hg19) VCF-style: chr10-61834813-T-A.
Other names: c.4387+5482A>T (NM_001204403.2); c.4408+5482A>T (NM_001204404.2); c.4405+5482A>T (NM_001320874.2); c.1807+5482A>T (NM_001149.4); short protein forms E1942D.
Identifiers: ClinVar variation 4777264 (VCV004777264.1).